The following is an entry in ClinVar:

ClinVar aggregate classification (germline): Pathogenic. Review status: criteria provided, multiple submitters, no conflicts (2 of 4 stars). 2 submissions from 2 submitters: Pathogenic (2). Last evaluated 2024-06-27.

Conditions:
Methylmalonic aciduria due to complete methylmalonyl-CoA mutase deficiency.

Submissions (2):

Natera, Inc.
Classification: Pathogenic for Methylmalonic aciduria due to complete methylmalonyl-CoA mutase deficiency. Last evaluated: 2024-06-27. Review status: criteria provided, single submitter. Criteria: Natera Variant Classification Schema (03/2026). Collection method: clinical testing. Allele origin: germline.
Comment: The c.920_923delTCTT variant in MMUT is a frameshift variant predicted to shift the reading frame beginning at codon 307 and leads to a stop codon 6 codons downstream. This variant is expected to result in nonsense mediated decay, truncation, or a dysfunctional protein product. This variant is rare in the general population with a frequency below the threshold expected for the associated phenotype(s). This variant has been observed in one or more individuals affected with the associated recessive disease, as either homozygous or compound heterozygous with a second variant (PMID: 35361390). Given the available evidence, this variant is classified as Pathogenic.

Labcorp Genetics (formerly Invitae), Labcorp
Classification: Pathogenic. Last evaluated: 2021-10-24. Review status: criteria provided, single submitter. Criteria: Invitae Variant Classification Sherloc (09022015). Collection method: clinical testing. Allele origin: germline.
Comment: This premature translational stop signal has been observed in individual(s) with methylmalonic acidemia (PMID: 31466887). This variant is not present in population databases (gnomAD no frequency). This sequence change creates a premature translational stop signal (p.Phe307Serfs*6) in the MUT gene. It is expected to result in an absent or disrupted protein product. Loss-of-function variants in MUT are known to be pathogenic (PMID: 15781192). For these reasons, this variant has been classified as Pathogenic.

Literature cited by the submitters: PubMed 35361390 (cited by Natera, Inc.); PubMed 31466887 (cited by Labcorp Genetics (formerly Invitae), Labcorp); PubMed 15781192 (cited by Labcorp Genetics (formerly Invitae), Labcorp).

NM_000255.4(MMUT):c.920_923del (p.Phe307fs)

Gene: MMUT (methylmalonyl-CoA mutase; minus strand). Cytogenetic location: 6p12.3.
Variant type: Microsatellite.
Coding change: c.920_923del on transcript NM_000255.4 (MANE Select); coding-DNA positions 920 to 923, 4 bases deleted (TCTT; older notation c.920_923delTCTT).
Protein change: p.Phe307fs; shifts the reading frame from phenylalanine 307.
Molecular consequence: frameshift variant.
Genome position (GRCh38, 1-based): chr6:49,453,745-49,453,748, AAGA deleted on the plus strand (TCTT on the coding strand, the reverse complement: MMUT is on the minus strand); deleting any 4 consecutive bases within chr6:49,453,745-49,453,752 gives the same sequence; the c. name uses the placement nearest the transcript's 3' end. VCF-style (leftmost placement, unchanged base first): chr6-49453744-GAAGA-G. GRCh37 (hg19) VCF-style: chr6-49421457-GAAGA-G.
Other names: c.920_923delTCTT (NM_000255.3); short protein forms F307fs.
Identifiers: ClinVar variation 1070207 (VCV001070207.9), dbSNP rs2127418705, ClinGen allele CA2580617248.